The following is an entry in ClinVar:

ClinVar aggregate classification (germline): Uncertain significance (1 of 4 stars; one submission).

Conditions:
Carnitine palmitoyltransferase II deficiency. Also called: Carnitine Palmitoyltransferase 2 Deficiency. Identifiers: Orphanet 157, MedGen C0342790, MONDO:0015515.

Allele frequency attached by ClinVar (database versions not stated): TOPMed below 0.00001; gnomAD exomes 0.00001.
gnomAD v4.1: 8 of 1,539,096 alleles (0.00052%); highest among the groups gnomAD compares: Non-Finnish European, 0.0007%; no homozygotes.

Submission:

Labcorp Genetics (formerly Invitae), Labcorp
Classification: Uncertain significance for Carnitine palmitoyltransferase II deficiency. Last evaluated: 2020-10-05. Review status: criteria provided, single submitter. Criteria: Invitae Variant Classification Sherloc (09022015). Collection method: clinical testing. Allele origin: germline.
Comment: This sequence change replaces tyrosine with histidine at codon 45 of the CPT2 protein (p.Tyr45His). The tyrosine residue is weakly conserved and there is a moderate physicochemical difference between tyrosine and histidine. The frequency data for this variant in the population databases is considered unreliable, as metrics indicate insufficient coverage at this position in the ExAC database. This variant has not been reported in the literature in individuals with CPT2-related conditions. Advanced modeling of protein sequence and biophysical properties (such as structural, functional, and spatial information, amino acid conservation, physicochemical variation, residue mobility, and thermodynamic stability) performed at Invitae indicates that this missense variant is not expected to disrupt CPT2 protein function. In summary, the available evidence is currently insufficient to determine the role of this variant in disease. Therefore, it has been classified as a Variant of Uncertain Significance.

NM_000098.3(CPT2):c.133T>C (p.Tyr45His)

Genes: CPT2 (carnitine palmitoyltransferase 2; plus strand), LOC129930561 (ATAC-STARR-seq lymphoblastoid silent region 902; plus strand). Cytogenetic location: 1p32.3.
Variant type: single nucleotide variant.
Coding change: c.133T>C on transcript NM_000098.3 (MANE Select); coding-DNA position 133, T replaced by C.
Protein change: p.Tyr45His; replaces tyrosine 45 with histidine.
Molecular consequence: missense variant.
Genome position (GRCh38, 1-based): chr1:53,197,076, T>C. VCF-style: chr1-53197076-T-C. GRCh37 (hg19) VCF-style: chr1-53662748-T-C.
Other names: c.133T>C, p.Tyr45His (NM_001330589.2); short protein forms Y45H.
Identifiers: ClinVar variation 1044661 (VCV001044661.9), dbSNP rs1321783611, ClinGen allele CA340388813.